The following is an entry in ClinVar:

NM_001903.5(CTNNA1):c.1193A>G (p.Asn398Ser)

Gene: CTNNA1 (catenin alpha 1; plus strand). Cytogenetic location: 5q31.2.
Variant type: single nucleotide variant.
Coding change: c.1193A>G on transcript NM_001903.5 (MANE Select); coding-DNA position 1193, A replaced by G.
Protein change: p.Asn398Ser; replaces asparagine 398 with serine.
Molecular consequence: missense variant. On other transcripts: 5 prime UTR variant (5), intron variant (2).
Genome position (GRCh38, 1-based): chr5:138,887,539, A>G. VCF-style: chr5-138887539-A-G. GRCh37 (hg19) VCF-style: chr5-138223228-A-G.
Other names: c.1193A>G, p.Asn398Ser (NM_001290307.3, NM_001323982.2, NM_001323983.1 and 3 more transcripts); c.884A>G, p.Asn295Ser (NM_001290309.3); c.824A>G, p.Asn275Ser (NM_001290310.3); c.83A>G, p.Asn28Ser (NM_001290312.1, NM_001323987.1, NM_001323988.1 and 18 more transcripts); c.-315A>G (NM_001324006.1, NM_001324007.1, NM_001324008.1 and 1 more transcripts); c.-190A>G (NM_001324013.1); c.-58+11942A>G (NM_001324012.1); c.-61+11942A>G (NM_001324010.1); and 1 more; short protein forms N275S, N28S, N295S, N398S.
Identifiers: ClinVar variation 657823 (VCV000657823.22), dbSNP rs200549409, ClinGen allele CA3431881.

ClinVar aggregate classification (germline): Conflicting classifications of pathogenicity. Review status: criteria provided, conflicting classifications (1 of 4 stars). 7 submissions from 7 submitters: Uncertain significance (5); Benign (1); Likely benign (1). Last evaluated 2026-09-19.

Conditions:
Patterned macular dystrophy 2. Identifiers: Orphanet 99001, MedGen C1837029, MONDO:0012162, OMIM 608970.
CTNNA1-related disorder. Also called: CTNNA1-related condition.
Hereditary nonpolyposis colon cancer (HNPCC). Also called: Hereditary Nonpolyposis Colorectal Cancer Syndrome; Hereditary nonpolyposis colorectal cancer; Familial nonpolyposis colon cancer. Identifiers: Orphanet 443909, MedGen C1333990, MONDO:0018630. Disease mechanism: loss of function.
Hereditary cancer-predisposing syndrome. Also called: Tumor predisposition; Hereditary neoplastic syndrome; Hereditary Cancer Syndrome; Neoplastic Syndromes, Hereditary. Identifiers: Orphanet 140162, MedGen C0027672, MeSH D009386, MONDO:0015356.
Hereditary diffuse gastric adenocarcinoma (HDGC). Also called: DIFFUSE GASTRIC AND LOBULAR BREAST CANCER SYNDROME. Identifiers: Orphanet 26106, MedGen C1708349, MONDO:0007648, OMIM 137215.

Allele frequency attached by ClinVar (database versions not stated): gnomAD exomes 0.00009 and 0.00013; ExAC 0.00011; 1000 Genomes Project 30x 0.00016; gnomAD 0.00019 and 0.00020; TOPMed 0.00019; 1000 Genomes Project 0.00020; ESP Exome Variant Server 0.00023.
gnomAD v4.1: 213 of 1,611,606 alleles (0.013%); highest among the groups gnomAD compares: African/African-American, 0.047%; no homozygotes.

Submissions (7):

PreventionGenetics, part of Exact Sciences
Classification: Uncertain significance for CTNNA1-related condition. Last evaluated: 2026-09-19. Review status: criteria provided, single submitter. Criteria: ACMG Guidelines, 2015. Collection method: clinical testing. Allele origin: germline.
Comment: The CTNNA1 c.1193A>G variant is predicted to result in the amino acid substitution p.Asn398Ser. This variant was reported in a screen of individuals with gastric and/or breast cancer (Clark et al 2020. PubMed ID: 32051609) and in one individual with breast or ovarian cancer (Table S4, Maxwell et al. 2016. PubMed ID: 27153395). This variant is reported in 0.044% of alleles in individuals of African descent in gnomAD, and has conflicting interpretations of pathogenicity in ClinVar ranging from likely benign to uncertain (Variation ID: 657823). At this time, the clinical significance of this variant is uncertain due to the absence of conclusive functional and genetic evidence.

Labcorp Genetics (formerly Invitae), Labcorp
Classification: Uncertain significance. Last evaluated: 2026-01-27. Review status: criteria provided, single submitter. Criteria: Invitae Variant Classification Sherloc (09022015). Collection method: clinical testing. Allele origin: germline.
Comment: This sequence change replaces asparagine, which is neutral and polar, with serine, which is neutral and polar, at codon 398 of the CTNNA1 protein (p.Asn398Ser). This variant is present in population databases (rs200549409, gnomAD 0.05%), and has an allele count higher than expected for a pathogenic variant. This variant has not been reported in the literature in individuals affected with CTNNA1-related conditions. ClinVar contains an entry for this variant (Variation ID: 657823). Invitae Evidence Modeling of protein sequence and biophysical properties (such as structural, functional, and spatial information, amino acid conservation, physicochemical variation, residue mobility, and thermodynamic stability) indicates that this missense variant is not expected to disrupt CTNNA1 protein function with a negative predictive value of 80%. RNA analysis performed to evaluate the impact of this missense change on mRNA splicing indicates it does not significantly alter splicing (internal data). In summary, the available evidence is currently insufficient to determine the role of this variant in disease. Therefore, it has been classified as a Variant of Uncertain Significance.

Myriad Genetics, Inc.
Classification: Benign for Hereditary diffuse gastric adenocarcinoma. Last evaluated: 2025-10-16. Review status: criteria provided, single submitter. Criteria: Myriad Autosomal Dominant, Autosomal Recessive and X-Linked Classification Criteria (2023). Collection method: clinical testing. Allele origin: unknown.
Comment: This variant is considered benign. This variant has been observed at a population frequency that is significantly greater than expected given the associated disease prevalence and penetrance. Homozygosity has been confirmed in one or more individuals. As homozygosity for pathogenic variants in this gene is generally assumed to result in embryonic lethality, this variant is unlikely to be pathogenic.

Baylor Genetics
Classification: Uncertain significance for Patterned macular dystrophy 2. Last evaluated: 2024-02-06. Review status: criteria provided, single submitter. Criteria: ACMG Guidelines, 2015. Collection method: clinical testing. Allele origin: unknown.

GeneDx
Classification: Uncertain significance. Last evaluated: 2023-11-25. Review status: criteria provided, single submitter. Criteria: GeneDx Variant Classification Process June 2021. Collection method: clinical testing. Allele origin: germline. Affected: yes.
Comment: In silico analysis supports that this missense variant has a deleterious effect on protein structure/function; This variant is associated with the following publications: (PMID: 27153395, 32051609)

Ambry Genetics
Classification: Likely benign for Hereditary cancer-predisposing syndrome. Last evaluated: 2023-04-03. Review status: criteria provided, single submitter. Criteria: Ambry Variant Classification Scheme 2023. Collection method: clinical testing. Allele origin: germline.

Department of Pathology and Laboratory Medicine, Sinai Health System
Classification: Uncertain significance for hereditary nonpolyposis colon cancer. Last evaluated: 2022-03-24. Review status: criteria provided, single submitter. Criteria: ACMG Guidelines, 2015. Collection method: clinical testing. Allele origin: germline. Affected: yes.

Literature cited by the submitters: PubMed 27153395 (cited by Ambry Genetics); PubMed 32051609 (cited by Ambry Genetics).